The following is an entry in ClinVar:

NM_000138.5(FBN1):c.5826C>A (p.Cys1942Ter)

Gene: FBN1 (fibrillin 1; minus strand). Cytogenetic location: 15q21.1.
Variant type: single nucleotide variant.
Coding change: c.5826C>A on transcript NM_000138.5 (MANE Select); coding-DNA position 5826, C replaced by A.
Protein change: p.Cys1942Ter; replaces cysteine 1942 with a stop codon.
Molecular consequence: nonsense.
Genome position (GRCh38, 1-based): chr15:48,445,467, G>T on the plus strand (C>A on the coding strand, the complement: FBN1 is on the minus strand). VCF-style: chr15-48445467-G-T. GRCh37 (hg19) VCF-style: chr15-48737664-G-T.
Other names: NM_000138.5(FBN1):c.5826C>A; p.Cys1942Ter; short protein forms C1942*.
Identifiers: ClinVar variation 547334 (VCV000547334.8), dbSNP rs363806, ClinGen allele CA269532860.

ClinVar aggregate classification (germline): Pathogenic. Review status: reviewed by expert panel (3 of 4 stars). 8 submissions from 4 submitters: Pathogenic (1). 7 of the submissions do not count toward it. Last evaluated 2024-02-22.

Conditions:
Weill-Marchesani syndrome. Also called: WM Syndrome; Mesodermal dysmorphodystrophy congenital. Identifiers: Orphanet 3449, MedGen C0265313, MONDO:0018096.
Ectopia lentis 1, isolated, autosomal dominant (ECTOL1). Identifiers: Orphanet 1885, MedGen C3541518, MONDO:0007514, OMIM 129600.
Stiff skin syndrome (SSKS). Identifiers: Orphanet 2833, MedGen C1861456, MONDO:0008492, OMIM 184900.
Familial thoracic aortic aneurysm and aortic dissection (TAAD). Also called: Thoracic aortic aneurysms and dissections. Identifiers: Orphanet 91387, MedGen C4707243, MONDO:0019625.
Acromicric dysplasia (ACMICD). Also called: Acromicric skeletal dysplasia. Identifiers: Orphanet 969, MedGen C0265287, MONDO:0007055, OMIM 102370.
Marfan syndrome (MFS). Also called: Marfan syndrome type 1; Marfan syndrome, classic; Marfan's syndrome; FBN1-Related Marfan Syndrome; MARFAN SYNDROME, TYPE I. Identifiers: Orphanet 284963, Orphanet 558, MedGen C0024796, MONDO:0007947, OMIM 154700.

Submissions (8):

ClinGen FBN1 Variant Curation Expert Panel, ClinGen
Classification: Pathogenic for Marfan syndrome. Last evaluated: 2024-02-22. Review status: reviewed by expert panel. Criteria: Assertion Criteria VCEP FBN1 Version 1. Collection method: curation. Allele origin: germline. Inheritance: Autosomal dominant inheritance.
Comment: The NM_00138 c.5826C>A, is a nonsense variant in FBN1 expected to cause a premature stop codon and likely results in an absent or disrupted protein product (PVS1). This variant has been reported 7 times in ClinVar, twice as pathogenic and five times as uncertain significance (Variantion ID: 547334). At least three other probands with clinical features of MFS carry the same variant (PMID 12068374, 22772377, Centre for Human Genetics ClinVar entry, PS4_Sup). In one family with features of MFS, including mitral valve prolapse, striae, pectus carinatum, scoliosis, striae, joint hypermobility, and wrist and thumb sign, this variant was found to segregate with disease in four affected family members (PMID 12068374, PP1). This variant is not present in gnomAD (PM2_sup; v2.1.1). In summary, this variant meets criteria to be classified as pathogenic for Marfan syndrome based on the ACMG/AMP criteria applied, as specified by the ClinGen FBN1 VCEP: PVS1, PS4_Sup, PM2_Sup, PM6_Sup, PP1, PP4

Ambry Genetics
Classification: Pathogenic for Familial thoracic aortic aneurysm and aortic dissection. Last evaluated: 2021-03-09. Review status: criteria provided, single submitter. Criteria: Ambry Variant Classification Scheme 2023. Collection method: clinical testing. Allele origin: germline. Not counted in ClinVar's aggregate classification.
Comment: The p.C1942* pathogenic mutation (also known as c.5826C>A), located in coding exon 47 of the FBN1 gene, results from a C to A substitution at nucleotide position 5826. This changes the amino acid from a cysteine to a stop codon within coding exon 47. This variant was reported in a family with features of Marfan syndrome, including ascending aortic aneurysms, pectus abnormalities, scoliosis, contractures, hypermobility, and myopia (Schrijver I et al. Am J Hum Genet, 2002 Aug;71:223-37). In addition to the clinical data presented in the literature, this alteration is expected to result in loss of function by premature protein truncation or nonsense-mediated mRNA decay. As such, this alteration is interpreted as a disease-causing mutation.

Illumina Laboratory Services, Illumina
Classification: Uncertain significance for Familial thoracic aortic aneurysm and aortic dissection. Last evaluated: 2017-04-27. Review status: criteria provided, single submitter. Criteria: ICSL Variant Classification Criteria 13 December 2019. Collection method: clinical testing. Allele origin: germline. Not counted in ClinVar's aggregate classification.

Illumina Laboratory Services, Illumina
Classification: Uncertain significance for Weill-Marchesani syndrome. Last evaluated: 2017-04-27. Review status: criteria provided, single submitter. Criteria: ICSL Variant Classification Criteria 13 December 2019. Collection method: clinical testing. Allele origin: germline. Not counted in ClinVar's aggregate classification.

Illumina Laboratory Services, Illumina
Classification: Uncertain significance for Stiff skin syndrome. Last evaluated: 2017-04-27. Review status: criteria provided, single submitter. Criteria: ICSL Variant Classification Criteria 13 December 2019. Collection method: clinical testing. Allele origin: germline. Not counted in ClinVar's aggregate classification.

Illumina Laboratory Services, Illumina
Classification: Uncertain significance for Acromicric dysplasia. Last evaluated: 2017-04-27. Review status: criteria provided, single submitter. Criteria: ICSL Variant Classification Criteria 13 December 2019. Collection method: clinical testing. Allele origin: germline. Not counted in ClinVar's aggregate classification.

Illumina Laboratory Services, Illumina
Classification: Uncertain significance for Ectopia lentis 1, isolated, autosomal dominant. Last evaluated: 2017-04-27. Review status: criteria provided, single submitter. Criteria: ICSL Variant Classification Criteria 13 December 2019. Collection method: clinical testing. Allele origin: germline. Not counted in ClinVar's aggregate classification.

Center for Human Genetics, Inc
Classification: Pathogenic for Marfan syndrome. Last evaluated: 2016-11-01. Review status: criteria provided, single submitter. Criteria: ACMG Guidelines, 2015. Collection method: clinical testing. Allele origin: germline. Affected: yes. Not counted in ClinVar's aggregate classification.

Literature cited by the submitters: PubMed 12068374 (cited by Ambry Genetics); PubMed 16061422 (cited by Ambry Genetics); PubMed 22772377 (cited by Ambry Genetics).